The following is an entry in ClinVar:

ClinVar aggregate classification (germline): Uncertain significance (1 of 4 stars; one submission).

Conditions:
Ataxia-telangiectasia syndrome (AT). Also called: Ataxia-telangiectasia, complementation group D; AT, COMPLEMENTATION GROUP C; ATAXIA-TELANGIECTASIA, COMPLEMENTATION GROUP A; ATAXIA-TELANGIECTASIA, FRESNO VARIANT; Ataxia-telangiectasia; Ataxia-telangiectasia, complementation group E. Identifiers: Orphanet 100, MedGen C0004135, MONDO:0008840, OMIM 208900.

Submission:

Labcorp Genetics (formerly Invitae), Labcorp
Classification: Uncertain significance for Ataxia-telangiectasia syndrome. Last evaluated: 2024-02-25. Review status: criteria provided, single submitter. Criteria: Invitae Variant Classification Sherloc (09022015). Collection method: clinical testing. Allele origin: germline.
Comment: This sequence change replaces glutamic acid, which is acidic and polar, with glycine, which is neutral and non-polar, at codon 2596 of the ATM protein (p.Glu2596Gly). This variant is not present in population databases (gnomAD no frequency). This variant has not been reported in the literature in individuals affected with ATM-related conditions. An algorithm developed to predict the effect of missense changes on protein structure and function (PolyPhen-2) suggests that this variant is likely to be tolerated. Algorithms developed to predict the effect of sequence changes on RNA splicing suggest that this variant may disrupt the consensus splice site. In summary, the available evidence is currently insufficient to determine the role of this variant in disease. Therefore, it has been classified as a Variant of Uncertain Significance.

NM_000051.4(ATM):c.7787A>G (p.Glu2596Gly)

Genes: ATM (ATM serine/threonine kinase; plus strand), C11orf65 (chromosome 11 open reading frame 65; minus strand). Cytogenetic location: 11q22.3.
Variant type: single nucleotide variant.
Coding change: c.7787A>G on transcript NM_000051.4 (MANE Select); coding-DNA position 7787, A replaced by G.
Protein change: p.Glu2596Gly; replaces glutamic acid 2596 with glycine.
Molecular consequence: missense variant. On other transcripts: intron variant (2).
Genome position (GRCh38, 1-based): chr11:108,332,036, A>G. VCF-style: chr11-108332036-A-G. GRCh37 (hg19) VCF-style: chr11-108202763-A-G.
Other names: c.7787A>G, p.Glu2596Gly (NM_001351834.2); c.641-22965T>C (NM_001330368.2); c.*38+3184T>C (NM_001351110.2); short protein forms E2596G.
Identifiers: ClinVar variation 3643318 (VCV003643318.2).